The following is an entry in ClinVar:

NM_001134363.3(RBM20):c.3574-187A>G

Gene: RBM20 (RNA binding motif protein 20; plus strand). Cytogenetic location: 10q25.2.
Variant type: single nucleotide variant.
Coding change: c.3574-187A>G on transcript NM_001134363.3 (MANE Select); 187 bases into the intron before coding-DNA position 3574, A replaced by G.
Molecular consequence: intron variant.
Genome position (GRCh38, 1-based): chr10:110,835,681, A>G. VCF-style: chr10-110835681-A-G. GRCh37 (hg19) VCF-style: chr10-112595439-A-G.
Identifiers: ClinVar variation 675944 (VCV000675944.1), dbSNP rs115398660, ClinGen allele CA213237092.
Genomic context (GRCh38, chr10:110,835,681, plus strand): 5'-CACCACGCTCGGCCTGTACTTTCTACATTTTCTACAGGAGACATGTATTACTTGCAAGCT[A>G]ACATAATGAGGTACTTAGCATAAGTTCTGTAGCCCCAGTGGGGATCTCTGAACCAGGAAA-3'

ClinVar aggregate classification (germline): Likely benign (1 of 4 stars; one submission).

Allele frequency attached by ClinVar (database versions not stated): gnomAD exomes 0.00427; gnomAD 0.00711 and 0.00829; TOPMed 0.00795; 1000 Genomes Project 0.01917; 1000 Genomes Project 30x 0.02124.
gnomAD v4.1: 2,723 of 500,874 alleles (0.54%); highest among the groups gnomAD compares: South Asian, 4.5%; 66 homozygotes.

Submission:

GeneDx
Classification: Likely benign. Last evaluated: 2018-06-19. Review status: criteria provided, single submitter. Criteria: GeneDx Variant Classification (06012015). Collection method: clinical testing. Allele origin: germline. Affected: yes.
Comment: This variant is considered likely benign or benign based on one or more of the following criteria: it is a conservative change, it occurs at a poorly conserved position in the protein, it is predicted to be benign by multiple in silico algorithms, and/or has population frequency not consistent with disease.